The following is an entry in ClinVar:

ClinVar aggregate classification (germline): Uncertain significance (1 of 4 stars; one submission).

Conditions:
Loeys-Dietz syndrome 4 (LDS4). Also called: ANEURYSM, AORTIC AND CEREBRAL, WITH ARTERIAL TORTUOSITY AND SKELETAL MANIFESTATIONS; TGFB2-Related Loeys-Dietz Syndrome. Identifiers: MedGen C3553762, MONDO:0013897, OMIM 614816.

Allele frequency attached by ClinVar (database versions not stated): gnomAD exomes 0.00001.

Submission:

Labcorp Genetics (formerly Invitae), Labcorp
Classification: Uncertain significance for Loeys-Dietz syndrome 4. Last evaluated: 2025-03-18. Review status: criteria provided, single submitter. Criteria: Invitae Variant Classification Sherloc (09022015). Collection method: clinical testing. Allele origin: germline.
Comment: This sequence change replaces methionine, which is neutral and non-polar, with leucine, which is neutral and non-polar, at codon 108 of the TGFB2 protein (p.Met108Leu). This variant is not present in population databases (gnomAD no frequency). This variant has not been reported in the literature in individuals affected with TGFB2-related conditions. ClinVar contains an entry for this variant (Variation ID: 408429). Invitae Evidence Modeling of protein sequence and biophysical properties (such as structural, functional, and spatial information, amino acid conservation, physicochemical variation, residue mobility, and thermodynamic stability) indicates that this missense variant is not expected to disrupt TGFB2 protein function with a negative predictive value of 80%. In summary, the available evidence is currently insufficient to determine the role of this variant in disease. Therefore, it has been classified as a Variant of Uncertain Significance.

NM_003238.6(TGFB2):c.322A>T (p.Met108Leu)

Gene: TGFB2 (transforming growth factor beta 2; plus strand). Cytogenetic location: 1q41.
Variant type: single nucleotide variant.
Coding change: c.322A>T on transcript NM_003238.6 (MANE Select); coding-DNA position 322, A replaced by T.
Protein change: p.Met108Leu; replaces methionine 108 with leucine.
Molecular consequence: missense variant. On other transcripts: non-coding transcript variant (2).
Genome position (GRCh38, 1-based): chr1:218,347,023, A>T. VCF-style: chr1-218347023-A-T. GRCh37 (hg19) VCF-style: chr1-218520365-A-T.
Other names: c.322A>T, p.Met108Leu (NM_001135599.4); short protein forms M108L.
Identifiers: ClinVar variation 408429 (VCV000408429.49), dbSNP rs1060501982, ClinGen allele CA16609977.